The following is an entry in ClinVar:

NM_020822.3(KCNT1):c.1200+5G>A

Gene: KCNT1 (potassium sodium-activated channel subfamily T member 1; plus strand). Cytogenetic location: 9q34.3.
Variant type: single nucleotide variant.
Coding change: c.1200+5G>A on transcript NM_020822.3 (MANE Select); 5 bases into the intron after coding-DNA position 1200, G replaced by A.
Molecular consequence: intron variant.
Genome position (GRCh38, 1-based): chr9:135,765,200, G>A. VCF-style: chr9-135765200-G-A. GRCh37 (hg19) VCF-style: chr9-138657046-G-A.
Other names: c.1065+5G>A (NM_001272003.2).
Identifiers: ClinVar variation 2951205 (VCV002951205.3), dbSNP rs748511115, ClinGen allele CA2692516177.
Genomic context (GRCh38, chr9:135,765,200, plus strand): 5'-AGATCGACCTTCTCATGGACTTCCTGAACGAGTTCTACGCCCACCCCCGGCTCCAGGTGA[G>A]GCCCCTTACCGTGGCCCAGCAGACGACTCCCTCCCGGCCCCTAGAGACGCCATCCTCTCC-3'

ClinVar aggregate classification (germline): Uncertain significance (1 of 4 stars; one submission).

Conditions:
Autosomal dominant nocturnal frontal lobe epilepsy 5. Also called: Epilepsy, nocturnal frontal lobe, 5; KCNT1-Related Epilepsy; CILIARY DYSKINESIA, PRIMARY, 28, WITHOUT SITUS INVERSUS; CILIARY DYSKINESIA, PRIMARY, 28, WITH SITUS INVERSUS. Identifiers: Orphanet 98784, MedGen C3554306, MONDO:0014002, OMIM 615005.
Developmental and epileptic encephalopathy, 14 (DEE14). Also called: Early infantile epileptic encephalopathy 14. Identifiers: Orphanet 293181, MedGen C3554195, MONDO:0013989, OMIM 614959.

gnomAD v4.1: 2 of 1,609,008 alleles (0.00012%); highest among the groups gnomAD compares: Non-Finnish European, 0.000085%; no homozygotes.

Submission:

Labcorp Genetics (formerly Invitae), Labcorp
Classification: Uncertain significance for Autosomal dominant nocturnal frontal lobe epilepsy 5; Developmental and epileptic encephalopathy, 14. Last evaluated: 2023-08-23. Review status: criteria provided, single submitter. Criteria: Invitae Variant Classification Sherloc (09022015). Collection method: clinical testing. Allele origin: germline.
Comment: In summary, the available evidence is currently insufficient to determine the role of this variant in disease. Therefore, it has been classified as a Variant of Uncertain Significance. Variants that disrupt the consensus splice site are a relatively common cause of aberrant splicing (PMID: 17576681, 9536098). Algorithms developed to predict the effect of sequence changes on RNA splicing suggest that this variant is not likely to affect RNA splicing. This variant has not been reported in the literature in individuals affected with KCNT1-related conditions. This variant is not present in population databases (gnomAD no frequency). This sequence change falls in intron 12 of the KCNT1 gene. It does not directly change the encoded amino acid sequence of the KCNT1 protein. It affects a nucleotide within the consensus splice site.

Literature cited by the submitters: PubMed 17576681; PubMed 9536098.